The following is an entry in ClinVar:

ClinVar aggregate classification (germline): Uncertain significance. Review status: criteria provided, multiple submitters, no conflicts (2 of 4 stars). 3 submissions from 3 submitters: Uncertain significance (3). Last evaluated 2022-08-09.

Conditions:
Usher syndrome type 2C. Also called: Usher syndrome, type 2B; USHER SYNDROME, TYPE IIC. Identifiers: Orphanet 231178, Orphanet 886, MedGen C2931213, MONDO:0011558, OMIM 605472.

Allele frequency attached by ClinVar (database versions not stated): ExAC 0.00001; gnomAD 0.00001; TOPMed 0.00001.
gnomAD v4.1: 17 of 1,612,106 alleles (0.0011%); highest among the groups gnomAD compares: Admixed American, 0.0017%; no homozygotes.

Submissions (3):

Labcorp Genetics (formerly Invitae), Labcorp
Classification: Uncertain significance. Last evaluated: 2022-08-09. Review status: criteria provided, single submitter. Criteria: Invitae Variant Classification Sherloc (09022015). Collection method: clinical testing. Allele origin: germline.
Comment: This sequence change replaces aspartic acid, which is acidic and polar, with tyrosine, which is neutral and polar, at codon 1116 of the ADGRV1 protein (p.Asp1116Tyr). This variant is present in population databases (rs761253411, gnomAD 0.003%). This variant has not been reported in the literature in individuals affected with ADGRV1-related conditions. ClinVar contains an entry for this variant (Variation ID: 804499). Algorithms developed to predict the effect of missense changes on protein structure and function are either unavailable or do not agree on the potential impact of this missense change (SIFT: "Deleterious"; PolyPhen-2: "Probably Damaging"; Align-GVGD: "Class C0"). In summary, the available evidence is currently insufficient to determine the role of this variant in disease. Therefore, it has been classified as a Variant of Uncertain Significance.

Athena Diagnostics
Classification: Uncertain significance. Last evaluated: 2018-08-31. Review status: criteria provided, single submitter. Criteria: Athena Diagnostics Criteria. Collection method: clinical testing. Allele origin: germline.

Illumina Laboratory Services, Illumina
Classification: Uncertain significance for Usher syndrome type 2C. Last evaluated: 2018-01-12. Review status: criteria provided, single submitter. Criteria: ICSL Variant Classification Criteria 13 December 2019. Collection method: clinical testing. Allele origin: germline.

NM_032119.4(ADGRV1):c.3346G>T (p.Asp1116Tyr)

Gene: ADGRV1 (adhesion G protein-coupled receptor V1; plus strand). Cytogenetic location: 5q14.3.
Variant type: single nucleotide variant.
Coding change: c.3346G>T on transcript NM_032119.4 (MANE Select); coding-DNA position 3346, G replaced by T.
Protein change: p.Asp1116Tyr; replaces aspartic acid 1116 with tyrosine.
Molecular consequence: missense variant. On other transcripts: non-coding transcript variant (1).
Genome position (GRCh38, 1-based): chr5:90,651,660, G>T. VCF-style: chr5-90651660-G-T. GRCh37 (hg19) VCF-style: chr5-89947477-G-T.
Other names: short protein forms D1116Y.
Identifiers: ClinVar variation 804499 (VCV000804499.6), dbSNP rs761253411, ClinGen allele CA3339164.